The following is an entry in ClinVar:

NM_004085.4(TIMM8A):c.107T>C (p.Val36Ala)

Gene: TIMM8A (translocase of inner mitochondrial membrane 8A; minus strand). Cytogenetic location: Xq22.1.
Variant type: single nucleotide variant.
Coding change: c.107T>C on transcript NM_004085.4 (MANE Select); coding-DNA position 107, T replaced by C.
Protein change: p.Val36Ala; replaces valine 36 with alanine.
Molecular consequence: missense variant.
Genome position (GRCh38, 1-based): chrX:101,348,558, A>G on the plus strand (T>C on the coding strand, the complement: TIMM8A is on the minus strand). VCF-style: chrX-101348558-A-G. GRCh37 (hg19) VCF-style: chrX-100603546-A-G.
Other names: c.107T>C, p.Val36Ala (NM_001145951.2); short protein forms V36A.
Identifiers: ClinVar variation 4703177 (VCV004703177.1).

ClinVar aggregate classification (germline): Uncertain significance (1 of 4 stars; one submission).

Submission:

Labcorp Genetics (formerly Invitae), Labcorp
Classification: Uncertain significance. Last evaluated: 2025-12-01. Review status: criteria provided, single submitter. Criteria: Invitae Variant Classification Sherloc (09022015). Collection method: clinical testing. Allele origin: germline.
Comment: This sequence change replaces valine, which is neutral and non-polar, with alanine, which is neutral and non-polar, at codon 36 of the TIMM8A protein (p.Val36Ala). This variant is not present in population databases (gnomAD no frequency). This variant has not been reported in the literature in individuals affected with TIMM8A-related conditions. An algorithm developed to predict the effect of missense changes on protein structure and function (PolyPhen-2) suggests that this variant is likely to be disruptive. In summary, the available evidence is currently insufficient to determine the role of this variant in disease. Therefore, it has been classified as a Variant of Uncertain Significance.